The following is an entry in ClinVar:

NM_017780.4(CHD7):c.6826A>G (p.Met2276Val)

Gene: CHD7 (chromodomain helicase DNA binding protein 7; plus strand). Cytogenetic location: 8q12.2.
Variant type: single nucleotide variant.
Coding change: c.6826A>G on transcript NM_017780.4 (MANE Select); coding-DNA position 6826, A replaced by G.
Protein change: p.Met2276Val; replaces methionine 2276 with valine.
Molecular consequence: missense variant. On other transcripts: intron variant (1).
Genome position (GRCh38, 1-based): chr8:60,854,413, A>G. VCF-style: chr8-60854413-A-G. GRCh37 (hg19) VCF-style: chr8-61766972-A-G.
Other names: c.1717-7816A>G (NM_001316690.1); c.6826A>G (NM_017780.3); short protein forms M2276V.
Identifiers: ClinVar variation 2747245 (VCV002747245.4), dbSNP rs746576881, ClinGen allele CA4760674.

ClinVar aggregate classification (germline): Conflicting classifications of pathogenicity. Review status: criteria provided, conflicting classifications (1 of 4 stars). 2 submissions from 2 submitters: Uncertain significance (1); Likely benign (1). Last evaluated 2025-02-19.

Conditions:
CHD7-related disorder. Also called: CHD7-related condition.
CHARGE syndrome (CHARGE). Also called: Hittner Hirsch Kreh syndrome; CHARGE ASSOCIATION--COLOBOMA, HEART ANOMALY, CHOANAL ATRESIA, RETARDATION, GENITAL AND EAR ANOMALIES; Coloboma, heart anomaly, choanal atresia, retardation, genital and ear anomalies; CHARGE association; Hall-Hittner syndrome. Identifiers: Orphanet 138, MedGen C0265354, MONDO:0008965.

Allele frequency attached by ClinVar (database versions not stated): TOPMed below 0.00001; ExAC 0.00002; gnomAD exomes 0.00003.
gnomAD v4.1: 48 of 1,613,632 alleles (0.003%); highest among the groups gnomAD compares: Non-Finnish European, 0.004%; no homozygotes.

Submissions (2):

PreventionGenetics, part of Exact Sciences
Classification: Uncertain significance for CHD7-related condition. Last evaluated: 2025-02-19. Review status: criteria provided, single submitter. Criteria: ACMG Guidelines, 2015. Collection method: clinical testing. Allele origin: germline.
Comment: The CHD7 c.6826A>G variant is predicted to result in the amino acid substitution p.Met2276Val. To our knowledge, this variant has not been reported in the literature. This variant is reported in 0.0065% of alleles in individuals of African descent in gnomAD. At this time, the clinical significance of this variant is uncertain due to the absence of conclusive functional and genetic evidence.

Labcorp Genetics (formerly Invitae), Labcorp
Classification: Likely benign for CHARGE syndrome. Last evaluated: 2024-08-19. Review status: criteria provided, single submitter. Criteria: Invitae Variant Classification Sherloc (09022015). Collection method: clinical testing. Allele origin: germline.